The following is an entry in ClinVar:

NM_007259.5(VPS45):c.439-2del

Gene: VPS45 (vacuolar protein sorting 45 homolog; plus strand). Cytogenetic location: 1q21.2.
Variant type: Deletion.
Coding change: c.439-2del on transcript NM_007259.5 (MANE Select); the canonical splice acceptor site of the intron before coding-DNA position 439, one base deleted (A; older notation c.439-2delA).
Molecular consequence: splice acceptor variant. On other transcripts: intron variant (1).
Genome position (GRCh38, 1-based): chr1:150,077,092, A deleted; the last of 5 consecutive A bases (chr1:150,077,088-150,077,092); deleting any one gives the same sequence. VCF-style (leftmost placement, unchanged base first): chr1-150077087-CA-C. GRCh37 (hg19) VCF-style: chr1-150049165-CA-C.
Other names: c.262-577del (NM_001279353.2); c.331-2del (NM_001279354.2); c.439-2delA (NM_007259.4).
Identifiers: ClinVar variation 1167501 (VCV001167501.10), dbSNP rs782005099, ClinGen allele CA1073145.

ClinVar aggregate classification (germline): Benign. Review status: criteria provided, single submitter (1 of 4 stars). 2 submissions from 2 submitters: Benign (1). 1 of the submissions does not count toward it. Last evaluated 2025-12-27.

Conditions:
VPS45-related disorder. Also called: VPS45-related condition.
Congenital neutropenia-myelofibrosis-nephromegaly syndrome. Also called: Severe congenital neutropenia 5, autosomal recessive. Identifiers: Orphanet 369852, MedGen C3809031, MONDO:0014118, OMIM 615285.

Submissions (2):

Labcorp Genetics (formerly Invitae), Labcorp
Classification: Benign for Congenital neutropenia-myelofibrosis-nephromegaly syndrome. Last evaluated: 2025-12-27. Review status: criteria provided, single submitter. Criteria: Invitae Variant Classification Sherloc (09022015). Collection method: clinical testing. Allele origin: germline.

PreventionGenetics, part of Exact Sciences
Classification: Likely benign for VPS45-related condition. Last evaluated: 2024-08-27. Review status: no assertion criteria provided. Collection method: clinical testing. Allele origin: germline. Not counted in ClinVar's aggregate classification.
Comment: This variant is classified as likely benign based on ACMG/AMP sequence variant interpretation guidelines (Richards et al. 2015 PMID: 25741868, with internal and published modifications).